The following is an entry in ClinVar:

NM_198253.3(TERT):c.290T>G (p.Leu97Arg)

Gene: TERT (telomerase reverse transcriptase; minus strand). Cytogenetic location: 5p15.33.
Variant type: single nucleotide variant.
Coding change: c.290T>G on transcript NM_198253.3 (MANE Select); coding-DNA position 290, T replaced by G.
Protein change: p.Leu97Arg; replaces leucine 97 with arginine.
Molecular consequence: missense variant. On other transcripts: non-coding transcript variant (2).
Genome position (GRCh38, 1-based): chr5:1,294,596, A>C on the plus strand (T>G on the coding strand, the complement: TERT is on the minus strand). VCF-style: chr5-1294596-A-C. GRCh37 (hg19) VCF-style: chr5-1294711-A-C.
Other names: c.290T>G, p.Leu97Arg (NM_001193376.3, NM_003219.1); short protein forms L97R.
Identifiers: ClinVar variation 1993696 (VCV001993696.4), dbSNP rs2478430145, ClinGen allele CA359058482.
Genomic context (GRCh38, chr5:1,294,596, plus strand): 5'-GTGGTGAAGGCCTCGGGGGGGCCCCCGCGGGCCCCGTCCAGCAGCGCGAAGCCGAAGGCC[A>C]GCACGTTCTTCGCGCCGCGCTCGCACAGCCTCTGCAGCACTCGGGCCACCAGCTCCTTCA-3'
Protein context (NP_937983.2, residues 87-107): RLCERGAKNV[Leu97Arg]AFGFALLDGA

ClinVar aggregate classification (germline): Uncertain significance (1 of 4 stars; one submission).

Conditions:
Dyskeratosis congenita, autosomal dominant 2. Identifiers: MedGen C3151443, MONDO:0013521, OMIM 613989.
Idiopathic Pulmonary Fibrosis. Also called: Idiopathic fibrosing alveolitis, chronic form; idiopathic fibrosing alveolitis. Identifiers: Orphanet 2032, MedGen C1800706, MeSH D054990, MONDO:0800504.

Submission:

Labcorp Genetics (formerly Invitae), Labcorp
Classification: Uncertain significance for Dyskeratosis congenita, autosomal dominant 2; Idiopathic Pulmonary Fibrosis. Last evaluated: 2024-07-30. Review status: criteria provided, single submitter. Criteria: Invitae Variant Classification Sherloc (09022015). Collection method: clinical testing. Allele origin: germline.
Comment: This sequence change replaces leucine, which is neutral and non-polar, with arginine, which is basic and polar, at codon 97 of the TERT protein (p.Leu97Arg). This variant is not present in population databases (gnomAD no frequency). This variant has not been reported in the literature in individuals affected with TERT-related conditions. ClinVar contains an entry for this variant (Variation ID: 1993696). Advanced modeling of protein sequence and biophysical properties (such as structural, functional, and spatial information, amino acid conservation, physicochemical variation, residue mobility, and thermodynamic stability) performed at Invitae indicates that this missense variant is expected to disrupt TERT protein function with a positive predictive value of 95%. In summary, the available evidence is currently insufficient to determine the role of this variant in disease. Therefore, it has been classified as a Variant of Uncertain Significance.